The following is an entry in ClinVar:

ClinVar aggregate classification (germline): Uncertain significance (1 of 4 stars; one submission).

Conditions:
Cardiovascular phenotype. Identifiers: MedGen CN230736.

Allele frequency attached by ClinVar (database versions not stated): TOPMed 0.00001.

Submission:

Ambry Genetics
Classification: Uncertain significance for Cardiovascular phenotype. Last evaluated: 2021-10-12. Review status: criteria provided, single submitter. Criteria: Ambry Variant Classification Scheme 2023. Collection method: clinical testing. Allele origin: germline.
Comment: The p.Q153P variant (also known as c.458A>C), located in coding exon 4 of the ABCG8 gene, results from an A to C substitution at nucleotide position 458. The glutamine at codon 153 is replaced by proline, an amino acid with similar properties. This amino acid position is conserved. In addition, the in silico prediction for this alteration is inconclusive. Since supporting evidence is limited at this time, the clinical significance of this alteration remains unclear.

NM_022437.3(ABCG8):c.458A>C (p.Gln153Pro)

Gene: ABCG8 (ATP binding cassette subfamily G member 8; plus strand). Cytogenetic location: 2p21.
Variant type: single nucleotide variant.
Coding change: c.458A>C on transcript NM_022437.3 (MANE Select); coding-DNA position 458, A replaced by C.
Protein change: p.Gln153Pro; replaces glutamine 153 with proline.
Molecular consequence: missense variant.
Genome position (GRCh38, 1-based): chr2:43,851,719, A>C. VCF-style: chr2-43851719-A-C. GRCh37 (hg19) VCF-style: chr2-44078858-A-C.
Other names: c.458A>C, p.Gln153Pro (NM_001357321.2); short protein forms Q153P.
Identifiers: ClinVar variation 1741688 (VCV001741688.2), dbSNP rs1334467205, ClinGen allele CA346665410.